The following is an entry in ClinVar:

ClinVar aggregate classification (germline): Uncertain significance (1 of 4 stars; one submission).

Conditions:
Neuropathy, hereditary sensory and autonomic, type 2A (HSAN2A). Also called: ACROOSTEOLYSIS, GIACCAI TYPE; ACROOSTEOLYSIS, NEUROGENIC; MORVAN DISEASE; NEUROPATHY, CONGENITAL SENSORY; NEUROPATHY, HEREDITARY SENSORY RADICULAR, AUTOSOMAL RECESSIVE; NEUROPATHY, HEREDITARY SENSORY, TYPE IIA. Identifiers: Orphanet 970, MedGen C2752089, MONDO:0024309, OMIM 201300.
Generalized epilepsy with febrile seizures plus, type 7 (GEFSP7). Also called: GEFS+, TYPE 7. Identifiers: Orphanet 36387, MedGen C2751778, MONDO:0013470, OMIM 613863.

Allele frequency attached by ClinVar (database versions not stated): gnomAD exomes below 0.00001; TOPMed 0.00001.
gnomAD v4.1: 3 of 1,592,204 alleles (0.00019%); highest among the groups gnomAD compares: Non-Finnish European, 0.00026%; no homozygotes.

Submission:

Labcorp Genetics (formerly Invitae), Labcorp
Classification: Uncertain significance for Neuropathy, hereditary sensory and autonomic, type 2A; Generalized epilepsy with febrile seizures plus, type 7. Last evaluated: 2025-02-24. Review status: criteria provided, single submitter. Criteria: Invitae Variant Classification Sherloc (09022015). Collection method: clinical testing. Allele origin: germline.
Comment: This sequence change replaces asparagine, which is neutral and polar, with serine, which is neutral and polar, at codon 746 of the SCN9A protein (p.Asn746Ser). This variant is present in population databases (no rsID available, gnomAD 0.007%). This variant has not been reported in the literature in individuals affected with SCN9A-related conditions. ClinVar contains an entry for this variant (Variation ID: 538447). Invitae Evidence Modeling of protein sequence and biophysical properties (such as structural, functional, and spatial information, amino acid conservation, physicochemical variation, residue mobility, and thermodynamic stability) has been performed for this missense variant. However, the output from this modeling did not meet the statistical confidence thresholds required to predict the impact of this variant on SCN9A protein function. In summary, the available evidence is currently insufficient to determine the role of this variant in disease. Therefore, it has been classified as a Variant of Uncertain Significance.

NM_001365536.1(SCN9A):c.2270A>G (p.Asn757Ser)

Genes: SCN1A-AS1 (SCN1A and SCN9A antisense RNA 1; plus strand), SCN9A (sodium voltage-gated channel alpha subunit 9; minus strand). Cytogenetic location: 2q24.3.
Variant type: single nucleotide variant.
Coding change: c.2270A>G on transcript NM_001365536.1 (MANE Select); coding-DNA position 2270, A replaced by G.
Protein change: p.Asn757Ser; replaces asparagine 757 with serine.
Molecular consequence: missense variant.
Genome position (GRCh38, 1-based): chr2:166,280,430, T>C on the plus strand (A>G on the coding strand, the complement: SCN9A is on the minus strand). VCF-style: chr2-166280430-T-C. GRCh37 (hg19) VCF-style: chr2-167136940-T-C.
Other names: c.2237A>G, p.Asn746Ser (NM_002977.4); short protein forms N746S, N757S.
Identifiers: ClinVar variation 538447 (VCV000538447.8), dbSNP rs1434787082, ClinGen allele CA349079586.
Genomic context (GRCh38, chr2:166,280,430, plus strand): 5'-GCAAGTACATTTTTGAATTCCTCAGTCATTGGGTGGTGTTCCATAGCCATAAATAATGTG[T>C]TTAAAACTATGCAAATGGTAATTGCAAGATCTACAAAAGGATCCATTACAATAAAATAGA-3'
Protein context (NP_001352465.1, residues 747-767): DLAITICIVL[Asn757Ser]TLFMAMEHHP